The following is an entry in ClinVar:

ClinVar aggregate classification (germline): Benign (1 of 4 stars; one submission).

Allele frequency attached by ClinVar (database versions not stated): 1000 Genomes Project 30x 0.67645; 1000 Genomes Project 0.67752; TOPMed 0.71978; gnomAD 0.73874 and 0.73937.
gnomAD v4.1: 112,580 of 152,010 alleles (74%); highest among the groups gnomAD compares: Non-Finnish European, 83%; 42,802 homozygotes.

Submission:

GeneDx
Classification: Benign. Last evaluated: 2018-06-19. Review status: criteria provided, single submitter. Criteria: GeneDx Variant Classification (06012015). Collection method: clinical testing. Allele origin: germline. Affected: yes.
Comment: This variant is considered likely benign or benign based on one or more of the following criteria: it is a conservative change, it occurs at a poorly conserved position in the protein, it is predicted to be benign by multiple in silico algorithms, and/or has population frequency not consistent with disease.

NM_006059.4(LAMC3):c.2593+280G>A

Gene: LAMC3 (laminin subunit gamma 3; plus strand). Cytogenetic location: 9q34.12.
Variant type: single nucleotide variant.
Coding change: c.2593+280G>A on transcript NM_006059.4 (MANE Select); 280 bases into the intron after coding-DNA position 2593, G replaced by A.
Molecular consequence: intron variant.
Genome position (GRCh38, 1-based): chr9:131,067,485, G>A. VCF-style: chr9-131067485-G-A. GRCh37 (hg19) VCF-style: chr9-133942872-G-A.
Identifiers: ClinVar variation 684035 (VCV000684035.1), dbSNP rs12551970, ClinGen allele CA13021004.